The following is an entry in ClinVar:

ClinVar aggregate classification (germline): Pathogenic (1 of 4 stars; one submission).

Conditions:
HYPERHOMOCYSTEINEMIA, THROMBOTIC, CBS-RELATED. Identifiers: MedGen C3150344, OMIM 236200.

Submission:

Labcorp Genetics (formerly Invitae), Labcorp
Classification: Pathogenic for HYPERHOMOCYSTEINEMIA, THROMBOTIC, CBS-RELATED. Last evaluated: 2021-04-05. Review status: criteria provided, single submitter. Criteria: Invitae Variant Classification Sherloc (09022015). Collection method: clinical testing. Allele origin: germline.
Comment: This variant disrupts the p.Pro290 amino acid residue in CBS. Other variant(s) that disrupt this residue have been determined to be pathogenic (PMID: 8803779, 7564249, 22267502). This suggests that this residue is clinically significant, and that variants that disrupt this residue are likely to be disease-causing. For these reasons, this variant has been classified as Pathogenic. This variant has not been reported in the literature in individuals with CBS-related conditions. This variant is not present in population databases (ExAC no frequency). This variant results in the deletion of part of exon 10 (c.829-249_878del) of the CBS gene. It is expected to disrupt RNA splicing. Variants that disrupt the donor or acceptor splice site typically lead to a loss of protein function (PMID: 16199547), and loss-of-function variants in CBS are known to be pathogenic (PMID: 10338090, 12124992).

Literature cited by the submitters: PubMed 8803779; PubMed 7564249; PubMed 22267502; PubMed 16199547; PubMed 10338090; PubMed 12124992.

NM_000071.3(CBS):c.829-249_878del

Gene: CBS (cystathionine beta-synthase; minus strand). Cytogenetic location: 21q22.3.
Variant type: Deletion.
Coding change: c.829-249_878del on transcript NM_000071.3 (MANE Select); 249 bases into the intron before coding-DNA position 829 through coding-DNA position 878, 299 bases deleted.
Molecular consequence: splice acceptor variant.
Genome position (GRCh38, 1-based): chr21:43,063,029-43,063,327, 299 bases deleted. GRCh37 (hg19): chr21:44,483,141-44,483,439.
Other names: c.829-249_878del (NM_001320298.2, NM_001178009.3, NM_001178008.3); c.514-249_563del (NM_001321072.1).
Identifiers: ClinVar variation 1351168 (VCV001351168.6), dbSNP rs2146366969, ClinGen allele CA2573157450.